The following is an entry in ClinVar:

NM_000400.4(ERCC2):c.2218A>G (p.Ser740Gly)

Gene: ERCC2 (ERCC excision repair 2, TFIIH core complex helicase subunit; minus strand). Cytogenetic location: 19q13.32.
Variant type: single nucleotide variant.
Coding change: c.2218A>G on transcript NM_000400.4 (MANE Select); coding-DNA position 2218, A replaced by G.
Protein change: p.Ser740Gly; replaces serine 740 with glycine.
Molecular consequence: missense variant.
Genome position (GRCh38, 1-based): chr19:45,351,694, T>C on the plus strand (A>G on the coding strand, the complement: ERCC2 is on the minus strand). VCF-style: chr19-45351694-T-C. GRCh37 (hg19) VCF-style: chr19-45854952-T-C.
Other names: short protein forms S740G.
Identifiers: ClinVar variation 1787862 (VCV001787862.2), dbSNP rs750251818, ClinGen allele CA406360507.

ClinVar aggregate classification (germline): Uncertain significance (1 of 4 stars; one submission).

Conditions:
Inborn genetic diseases. Identifiers: MedGen C0950123, MeSH D030342.

gnomAD v4.1: 2 of 1,613,900 alleles (0.00012%); highest among the groups gnomAD compares: Non-Finnish European, 0.000085%; no homozygotes.

Submission:

Ambry Genetics
Classification: Uncertain significance for Inborn genetic diseases. Last evaluated: 2024-03-19. Review status: criteria provided, single submitter. Criteria: Ambry Variant Classification Scheme 2023. Collection method: clinical testing. Allele origin: germline.
Comment: The p.S740G variant (also known as c.2218A>G), located in coding exon 23 of the ERCC2 gene, results from an A to G substitution at nucleotide position 2218. The serine at codon 740 is replaced by glycine, an amino acid with similar properties. This amino acid position is conserved. In addition, the in silico prediction for this alteration is inconclusive. Since supporting evidence is limited at this time, the clinical significance of this alteration remains unclear.